The following is an entry in ClinVar:

NM_004260.4(RECQL4):c.3035G>A (p.Trp1012Ter)

Gene: RECQL4 (RecQ like helicase 4; minus strand). Cytogenetic location: 8q24.3.
Variant type: single nucleotide variant.
Coding change: c.3035G>A on transcript NM_004260.4 (MANE Select); coding-DNA position 3035, G replaced by A.
Protein change: p.Trp1012Ter; replaces tryptophan 1012 with a stop codon.
Molecular consequence: nonsense.
Genome position (GRCh38, 1-based): chr8:144,512,412, C>T on the plus strand (G>A on the coding strand, the complement: RECQL4 is on the minus strand). VCF-style: chr8-144512412-C-T. GRCh37 (hg19) VCF-style: chr8-145737795-C-T.
Other names: short protein forms W1012*.
Identifiers: ClinVar variation 1075795 (VCV001075795.5), dbSNP rs2130662004, ClinGen allele CA372671222.
Genomic context (GRCh38, chr8:144,512,412, plus strand): 5'-AGGCAGCGTCCAGGGCGGTGTGGGGTGGGGAGAGGCGCACCTGTCCTGGGCTCGTGGTCC[C>T]ACTGCAGCTGGCAGAGAGCCCGCCGCACAGAGGCCAGCTCCCAGCCCATGGAGTCCACCA-3'

ClinVar aggregate classification (germline): Pathogenic (1 of 4 stars; one submission).

Conditions:
Baller-Gerold syndrome (BGS). Also called: CRANIOSYNOSTOSIS WITH RADIAL DEFECTS. Identifiers: Orphanet 1225, MedGen C0265308, MONDO:0009039, OMIM 218600.

Submission:

Labcorp Genetics (formerly Invitae), Labcorp
Classification: Pathogenic for Baller-Gerold syndrome. Last evaluated: 2020-01-16. Review status: criteria provided, single submitter. Criteria: Invitae Variant Classification Sherloc (09022015). Collection method: clinical testing. Allele origin: germline.
Comment: This variant has not been reported in the literature in individuals with RECQL4-related conditions. This variant is not present in population databases (ExAC no frequency). This sequence change creates a premature translational stop signal (p.Trp1012*) in the RECQL4 gene. It is expected to result in an absent or disrupted protein product. Loss-of-function variants in RECQL4 are known to be pathogenic (PMID: 12734318, 12952869). For these reasons, this variant has been classified as Pathogenic.

Literature cited by the submitters: PubMed 12734318; PubMed 12952869.